The following is an entry in ClinVar:

ClinVar aggregate classification (germline): Benign (3 of 4 stars; one submission).

Conditions:
Breast-ovarian cancer, familial, susceptibility to, 1 (BROVCA1). Also called: BRCA1 Hereditary Breast and Ovarian Cancer; OVARIAN CANCER, SUSCEPTIBILITY TO. Identifiers: Orphanet 145, MedGen C2676676, MONDO:0011450, OMIM 604370. Disease mechanism: loss of function.

Allele frequency attached by ClinVar (database versions not stated): TOPMed 0.00187; gnomAD 0.00198 and 0.00202; 1000 Genomes Project 0.00260; 1000 Genomes Project 30x 0.00265.
gnomAD v4.1: 301 of 152,276 alleles (0.2%); highest among the groups gnomAD compares: Middle Eastern, 0.68%; 3 homozygotes.

Submission:

Evidence-based Network for the Interpretation of Germline Mutant Alleles (ENIGMA)
Classification: Benign for Breast-ovarian cancer, familial, susceptibility to, 1. Last evaluated: 2016-09-28. Review status: reviewed by expert panel. Criteria: ENIGMA BRCA1/2 Classification Criteria (2015). Collection method: curation. Allele origin: germline.
Comment: Class 1 not pathogenic based on frequency >1% in an outbred sampleset. Frequency 0.0101 (Admixed American/Latino), derived from 1000 genomes (2013-05-02).

NM_007294.4(BRCA1):c.5277+315T>C

Gene: BRCA1 (BRCA1 DNA repair associated; minus strand). Cytogenetic location: 17q21.31.
Variant type: single nucleotide variant.
Coding change: c.5277+315T>C on transcript NM_007294.4 (MANE Select); 315 bases into the intron after coding-DNA position 5277, T replaced by C.
Molecular consequence: intron variant.
Genome position (GRCh38, 1-based): chr17:43,056,737, A>G on the plus strand (T>C on the coding strand, the complement: BRCA1 is on the minus strand). VCF-style: chr17-43056737-A-G. GRCh37 (hg19) VCF-style: chr17-41208754-A-G.
Other names: c.1824+315T>C (NM_001408458.1, NM_001408461.1, NM_001408464.1 and 7 more transcripts); c.4386+315T>C (NM_001407967.1); c.4896+315T>C (NM_001407959.1); c.5010+315T>C (NM_001407931.1, NM_001407932.1, NM_001407928.1 and 4 more transcripts); c.5133+315T>C (NM_001407747.1, NM_001407745.1, NM_001407737.1 and 21 more transcripts); c.4893+315T>C (NM_001407962.1, NM_001407960.1); c.1464+315T>C (NM_001408512.1); c.1587+315T>C (NM_001408510.1); and 72 more.
Identifiers: ClinVar variation 264833 (VCV000264833.2), dbSNP rs183831660, ClinGen allele CA10588192.